The following is an entry in ClinVar:

NM_000071.3(CBS):c.262C>G (p.Pro88Ala)

Gene: CBS (cystathionine beta-synthase; minus strand). Cytogenetic location: 21q22.3.
Variant type: single nucleotide variant.
Coding change: c.262C>G on transcript NM_000071.3 (MANE Select); coding-DNA position 262, C replaced by G.
Protein change: p.Pro88Ala; replaces proline 88 with alanine.
Molecular consequence: missense variant.
Genome position (GRCh38, 1-based): chr21:43,068,563, G>C on the plus strand (C>G on the coding strand, the complement: CBS is on the minus strand). VCF-style: chr21-43068563-G-C. GRCh37 (hg19) VCF-style: chr21-44488673-G-C.
Other names: c.262C>G, p.Pro88Ala (NM_001178008.3, NM_001178009.3, NM_001320298.2); c.262C>G (NM_001178008.2); short protein forms P88A.
Identifiers: ClinVar variation 1915585 (VCV001915585.5), dbSNP rs2146413970, ClinGen allele CA410602098.

ClinVar aggregate classification (germline): Conflicting classifications of pathogenicity. Review status: criteria provided, conflicting classifications (1 of 4 stars). 2 submissions from 2 submitters: Likely pathogenic (1); Uncertain significance (1). Last evaluated 2022-09-13.

Conditions:
HYPERHOMOCYSTEINEMIA, THROMBOTIC, CBS-RELATED. Identifiers: MedGen C3150344, OMIM 236200.
Classic homocystinuria. Also called: Homocystinuria due to Cystathionine Beta-Synthase Deficiency; HOMOCYSTINURIA WITH OR WITHOUT RESPONSE TO PYRIDOXINE; Homocystinuria due to CBS deficiency; Cystathionine beta-synthase deficiency; CBS deficiency. Identifiers: Orphanet 394, MedGen C0751202, MONDO:0009352, OMIM 236200.

Submissions (2):

Labcorp Genetics (formerly Invitae), Labcorp
Classification: Likely pathogenic for HYPERHOMOCYSTEINEMIA, THROMBOTIC, CBS-RELATED. Last evaluated: 2022-09-13. Review status: criteria provided, single submitter. Criteria: Invitae Variant Classification Sherloc (09022015). Collection method: clinical testing. Allele origin: germline.
Comment: This sequence change replaces proline, which is neutral and non-polar, with alanine, which is neutral and non-polar, at codon 88 of the CBS protein (p.Pro88Ala). This variant is not present in population databases (gnomAD no frequency). This variant has not been reported in the literature in individuals affected with CBS-related conditions. Advanced modeling of protein sequence and biophysical properties (such as structural, functional, and spatial information, amino acid conservation, physicochemical variation, residue mobility, and thermodynamic stability) performed at Invitae indicates that this missense variant is expected to disrupt CBS protein function. This variant disrupts the p.Pro88 amino acid residue in CBS. Other variant(s) that disrupt this residue have been determined to be pathogenic (PMID: 7762555, 22267502). This suggests that this residue is clinically significant, and that variants that disrupt this residue are likely to be disease-causing. In summary, the currently available evidence indicates that the variant is pathogenic, but additional data are needed to prove that conclusively. Therefore, this variant has been classified as Likely Pathogenic.

Neuberg Centre For Genomic Medicine, NCGM
Classification: Uncertain significance for Classic homocystinuria. Review status: criteria provided, single submitter. Criteria: ACMG Guidelines, 2015. Collection method: clinical testing. Allele origin: germline. Inheritance: Autosomal recessive inheritance. Affected: yes.
Comment: The missense variant c.262C>G (p.Pro88Ala) in CBS gene has not been reported previously as a pathogenic variant nor as a benign variant, to our knowledge. The p.Pro88Ala variant is novel (not in any individuals) in gnomAD Exomes and 1000 Genomes. The amino acid Pro at position 88 is changed to a Ala changing protein sequence and it might alter its composition and physico-chemical properties. The variant is predicted to be damaging by both SIFT and PolyPhen2. The residue is conserved across species. The amino acid change p.Pro88Ala in CBS is predicted as conserved by GERP++ and PhyloP across 100 vertebrates. For these reasons, this variant has been classified as Variant of Uncertain Significance (VUS).

Literature cited by the submitters: PubMed 7762555 (cited by Labcorp Genetics (formerly Invitae), Labcorp); PubMed 22267502 (cited by Labcorp Genetics (formerly Invitae), Labcorp).